The following is an entry in ClinVar:

ClinVar aggregate classification (germline): Pathogenic/Likely pathogenic. Review status: criteria provided, multiple submitters, no conflicts (2 of 4 stars). 3 submissions from 3 submitters: Pathogenic (1); Likely pathogenic (2). Last evaluated 2023-04-11.

Conditions:
Ichthyosis vulgaris. Also called: ICHTHYOSIS SIMPLEX; Dominant ichthyosis vulgaris. Identifiers: MedGen C0079584, MONDO:0024304, OMIM 146700.

Allele frequency attached by ClinVar (database versions not stated): gnomAD exomes below 0.00001 and 0.00001; ExAC 0.00001.

Submissions (3):

Genome-Nilou Lab
Classification: Likely pathogenic for Ichthyosis vulgaris. Last evaluated: 2023-04-11. Review status: criteria provided, single submitter. Criteria: ACMG Guidelines, 2015. Collection method: clinical testing. Allele origin: germline. Affected: no.

Revvity Omics, Revvity
Classification: Likely pathogenic for Ichthyosis vulgaris. Last evaluated: 2022-06-02. Review status: criteria provided, single submitter. Criteria: ACMG Guidelines, 2015. Collection method: clinical testing. Allele origin: germline.

GeneDx
Classification: Pathogenic. Last evaluated: 2018-08-22. Review status: criteria provided, single submitter. Criteria: GeneDx Variant Classification (06012015). Collection method: clinical testing. Allele origin: germline. Affected: yes.
Comment: The c.4808_4812dupACTCA variant in the FLG gene has not been reported previously as a pathogenic variant nor as a benign variant, to our knowledge. The c.4808_4812dupACTCA variant causes a frameshift starting with codon Glutamic acid, changes this amino acid to a Threonine residue, and creates a premature Stop codon at position 103 of the new reading frame, denoted p.Glu1605ThrfsX103. This variant is predicted to cause loss of normal protein function through protein truncation. The c.4808_4812dupACTCA variant is observed in 2/246232 (0.001%) alleles in large population cohorts (Lek et al., 2016). We interpret c.4808_4812dupACTCA as a pathogenic variant.

NM_002016.2(FLG):c.4808_4812dup (p.Glu1605fs)

Genes: CCDST (cervical cancer associated DHX9 suppressive transcript; plus strand), FLG (filaggrin; minus strand). Cytogenetic location: 1q21.3.
Variant type: Duplication.
Coding change: c.4808_4812dup on transcript NM_002016.2 (MANE Select); coding-DNA positions 4808 to 4812, 5 bases duplicated (ACTCA; older notation c.4808_4812dupACTCA).
Protein change: p.Glu1605fs; shifts the reading frame from glutamic acid 1605.
Molecular consequence: frameshift variant.
Genome position (GRCh38, 1-based): chr1:152,310,074-152,310,078, TGAGT duplicated on the plus strand (ACTCA on the coding strand, the reverse complement: FLG is on the minus strand). VCF-style (leftmost placement, unchanged base first): chr1-152310073-C-CTGAGT. GRCh37 (hg19) VCF-style: chr1-152282549-C-CTGAGT.
Other names: short protein forms E1605fs.
Identifiers: ClinVar variation 817794 (VCV000817794.5), dbSNP rs775716153, ClinGen allele CA1106048.